The following is an entry in ClinVar:

ClinVar aggregate classification (germline): Pathogenic (1 of 4 stars; one submission).

Submission:

ISCA site 4
Classification: Pathogenic. Last evaluated: 2011-08-12. Review status: criteria provided, single submitter. Criteria: Kaminsky et al. (Genet Med. 2011). Collection method: clinical testing. Allele origin: unknown. Affected: yes. Observed: 1 variant allele.
Comment: Copy number variation identified through the course of routine clinical cytogenomic testing in postnatal populations. Clinical assertions have been curated as described in Kaminsky et al. 2011.

GRCh38/hg38 8q12.1-12.3(chr8:56925812-61691859)x1

Genes: ASPH (aspartate beta-hydroxylase; minus strand), BPNT2 (3'(2'), 5'-bisphosphate nucleotidase 2; minus strand), CA8 (carbonic anhydrase 8; minus strand), CHD7 (chromodomain helicase DNA binding protein 7; plus strand), CLVS1 (clavesin 1; plus strand) and 105 more. Cytogenetic location: 8q12.1-12.3.
Variant type: copy number loss.
Change: copy number 1 (one copy instead of two) of chr8:56,925,812-61,691,859 (4.77 Mb, GRCh38 coordinates, 1-based), cytogenetic band 8q12.1-12.3.
Identifiers: ClinVar variation 60363 (VCV000060363.1).